The following is an entry in ClinVar:

NM_000814.6(GABRB3):c.534A>T (p.Glu178Asp)

Gene: GABRB3 (gamma-aminobutyric acid type A receptor subunit beta3; minus strand). Cytogenetic location: 15q12.
Variant type: single nucleotide variant.
Coding change: c.534A>T on transcript NM_000814.6 (MANE Select); coding-DNA position 534, A replaced by T.
Protein change: p.Glu178Asp; replaces glutamic acid 178 with aspartic acid.
Molecular consequence: missense variant.
Genome position (GRCh38, 1-based): chr15:26,583,342, T>A on the plus strand (A>T on the coding strand, the complement: GABRB3 is on the minus strand). VCF-style: chr15-26583342-T-A. GRCh37 (hg19) VCF-style: chr15-26828489-T-A.
Other names: c.279A>T, p.Glu93Asp (NM_001191320.2, NM_001278631.2); c.321A>T, p.Glu107Asp (NM_001191321.3); c.534A>T, p.Glu178Asp (NM_021912.5); short protein forms E107D, E178D, E93D.
Identifiers: ClinVar variation 2570897 (VCV002570897.27), dbSNP rs2504213280, ClinGen allele CA391457986.
Genomic context (GRCh38, chr15:26,583,342, plus strand): 5'-GATCAAAAGTACAAATAGGAGGAGAAAGAAACACAGATACGGATACACACAGCTTTCAAT[T>A]TCCAGAGTGCAGTTCTGCTCGTCCAGGGGGTATCTCCTGAGGTCCATCATGCATGCTGCT-3'
Protein context (NP_000805.1, residues 168-188): YPLDEQNCTL[Glu178Asp]IESYGYTTDD

ClinVar aggregate classification (germline): Likely pathogenic (1 of 4 stars; one submission).

Submission:

CeGaT Center for Human Genetics Tuebingen
Classification: Likely pathogenic. Last evaluated: 2023-04-01. Review status: criteria provided, single submitter. Criteria: CeGaT Center For Human Genetics Tuebingen Variant Classification Criteria Version 2. Collection method: clinical testing. Allele origin: germline. Affected: yes. Observed: 1 variant allele.
Comment: GABRB3: PS2, PM2, PM5, PP2